The following is an entry in ClinVar:

NM_152641.4(ARID2):c.2157C>G (p.Ile719Met)

Gene: ARID2 (AT-rich interaction domain 2; plus strand). Cytogenetic location: 12q12.
Variant type: single nucleotide variant.
Coding change: c.2157C>G on transcript NM_152641.4 (MANE Select); coding-DNA position 2157, C replaced by G.
Protein change: p.Ile719Met; replaces isoleucine 719 with methionine.
Molecular consequence: missense variant.
Genome position (GRCh38, 1-based): chr12:45,850,280, C>G. VCF-style: chr12-45850280-C-G. GRCh37 (hg19) VCF-style: chr12-46244063-C-G.
Other names: c.2157C>G, p.Ile719Met (NM_001347839.2); c.2157C>G (NM_152641.3); short protein forms I719M.
Identifiers: ClinVar variation 3314511 (VCV003314511.2).

ClinVar aggregate classification (germline): Uncertain significance. Review status: criteria provided, single submitter (1 of 4 stars). 2 submissions from 2 submitters: Uncertain significance (1). 1 of the submissions does not count toward it. Last evaluated 2024-05-24.

Conditions:
Inborn genetic diseases. Identifiers: MedGen C0950123, MeSH D030342.
ARID2-related disorder. Also called: ARID2-related condition.

Submissions (2):

Ambry Genetics
Classification: Uncertain significance for Inborn genetic diseases. Last evaluated: 2024-05-24. Review status: criteria provided, single submitter. Criteria: Ambry Variant Classification Scheme 2023. Collection method: clinical testing. Allele origin: germline.

PreventionGenetics, part of Exact Sciences
Classification: Uncertain significance for ARID2-related condition. Last evaluated: 2024-03-07. Review status: no assertion criteria provided. Collection method: clinical testing. Allele origin: germline. Not counted in ClinVar's aggregate classification.
Comment: The ARID2 c.2157C>G variant is predicted to result in the amino acid substitution p.Ile719Met. To our knowledge, this variant has not been reported in the literature or in a large population database, indicating this variant is rare. At this time, the clinical significance of this variant is uncertain due to the absence of conclusive functional and genetic evidence.